The following is an entry in ClinVar:

Conditions:
Breast-ovarian cancer, familial, susceptibility to, 1 (BROVCA1). Also called: BRCA1 Hereditary Breast and Ovarian Cancer; OVARIAN CANCER, SUSCEPTIBILITY TO. Identifiers: Orphanet 145, MedGen C2676676, MONDO:0011450, OMIM 604370. Disease mechanism: loss of function.

Submission:

Brotman Baty Institute, University of Washington
No classification provided (evidence only). Condition: Breast-ovarian cancer, familial 1. Review status: no classification provided. Collection method: in vitro. Allele origin: not applicable. Functional consequence: functionally_normal.
ClinVar note: "not provided" was previously submitted as the classification for the variant. However, the classification appeared to be based only on an observation of functional data so it was converted to no classification on 2025-07-30.

NM_007294.4(BRCA1):c.5193+30A>G

Gene: BRCA1 (BRCA1 DNA repair associated; minus strand). Cytogenetic location: 17q21.31.
Variant type: single nucleotide variant.
Coding change: c.5193+30A>G on transcript NM_007294.4 (MANE Select); 30 bases into the intron after coding-DNA position 5193, A replaced by G.
Molecular consequence: intron variant.
Genome position (GRCh38, 1-based): chr17:43,063,303, T>C on the plus strand (A>G on the coding strand, the complement: BRCA1 is on the minus strand). VCF-style: chr17-43063303-T-C. GRCh37 (hg19) VCF-style: chr17-41215320-T-C.
Other names: c.1740+30A>G (NM_001408458.1, NM_001408461.1, NM_001408464.1 and 7 more transcripts); c.4302+30A>G (NM_001407967.1); c.4812+30A>G (NM_001407959.1); c.4926+30A>G (NM_001407931.1, NM_001407932.1, NM_001407928.1 and 4 more transcripts); c.5049+30A>G (NM_001407747.1, NM_001407745.1, NM_001407737.1 and 21 more transcripts); c.4809+30A>G (NM_001407962.1, NM_001407960.1); c.1380+30A>G (NM_001408512.1); c.1503+30A>G (NM_001408510.1); and 72 more.
Identifiers: ClinVar variation 867494 (VCV000867494.3), dbSNP rs2051847330, ClinGen allele CA916079973.
Genomic context (GRCh38, chr17:43,063,303, plus strand): 5'-AAGTGGTGCATTGATGGAAGGAAGCAAATACATTTTTAACTATATGACTGAATGAATATC[T>C]CTGGTTAGTTTGTAACATCAAGTACTTACCTCATTCAGCATTTTTCTTTCTTTAATAGAC-3'